The following is an entry in ClinVar:

ClinVar aggregate classification (germline): Likely benign. Review status: criteria provided, single submitter (1 of 4 stars). 4 submissions from 4 submitters: Likely benign (1). 3 of the submissions do not count toward it. Last evaluated 2018-07-25.

Conditions:
RAI1-related disorder. Also called: RAI1-related condition.
Inborn genetic diseases. Identifiers: MedGen C0950123, MeSH D030342.

Allele frequency attached by ClinVar (database versions not stated): gnomAD exomes 0.00126 and 0.00333; ExAC 0.00381; gnomAD 0.01033 and 0.01119.

Submissions (4):

Ambry Genetics
Classification: Likely benign for Inborn genetic diseases. Last evaluated: 2018-07-25. Review status: criteria provided, single submitter. Criteria: Ambry Variant Classification Scheme 2023. Collection method: clinical testing. Allele origin: germline.

PreventionGenetics, part of Exact Sciences
Classification: Likely benign for RAI1-related condition. Last evaluated: 2024-01-04. Review status: no assertion criteria provided. Collection method: clinical testing. Allele origin: germline. Not counted in ClinVar's aggregate classification.
Comment: This variant is classified as likely benign based on ACMG/AMP sequence variant interpretation guidelines (Richards et al. 2015 PMID: 25741868, with internal and published modifications).

Clinical Genetics DNA and cytogenetics Diagnostics Lab, Erasmus MC, Erasmus Medical Center
Classification: Benign. Review status: no assertion criteria provided. Collection method: clinical testing. Allele origin: germline. Affected: yes. Study: VKGL Data-share Consensus. Not counted in ClinVar's aggregate classification.

Diagnostic Laboratory, Department of Genetics, University Medical Center Groningen
Classification: Benign. Review status: no assertion criteria provided. Collection method: clinical testing. Allele origin: germline. Affected: yes. Study: VKGL Data-share Consensus. Not counted in ClinVar's aggregate classification.

NM_030665.4(RAI1):c.840_849del (p.Gln280fs)

Gene: RAI1 (retinoic acid induced 1; plus strand). Cytogenetic location: 17p11.2.
Variant type: Deletion.
Coding change: c.840_849del on transcript NM_030665.4 (MANE Select); coding-DNA positions 840 to 849, 10 bases deleted (GCAGCAGCAG; older notation c.840_849delGCAGCAGCAG).
Protein change: p.Gln280fs; shifts the reading frame from glutamine 280.
Molecular consequence: frameshift variant.
Genome position (GRCh38, 1-based): chr17:17,793,788-17,793,797, GCAGCAGCAG deleted. VCF-style (leftmost placement, unchanged base first): chr17-17793787-AGCAGCAGCAG-A. GRCh37 (hg19) VCF-style: chr17-17697101-AGCAGCAGCAG-A.
Other names: short protein forms Q280fs.
Identifiers: ClinVar variation 1174857 (VCV001174857.8), dbSNP rs760854027, ClinGen allele CA8418212.
Genomic context (GRCh38, chr17:17,793,787, plus strand): 5'-GGCAGCGGGTCCAGAATCTTCATGCCTACCAGTCGGGCCGCCTCAGCTATGACCAGCAGC[AGCAGCAGCAG>A]CAGCAGCAGCAGCAGCAGCAGCAAGCCCTTCAGAGCCGGCACCATGCCCAGGAAACCCTC-3'